The following is an entry in ClinVar:

NM_000548.5(TSC2):c.4920C>T (p.His1640=)

Gene: TSC2 (TSC complex subunit 2; plus strand). Cytogenetic location: 16p13.3.
Variant type: single nucleotide variant.
Coding change: c.4920C>T on transcript NM_000548.5 (MANE Select); coding-DNA position 4920, C replaced by T.
Protein change: p.His1640=; no amino-acid change (histidine 1640 retained).
Molecular consequence: synonymous variant.
Genome position (GRCh38, 1-based): chr16:2,086,802, C>T. VCF-style: chr16-2086802-C-T. GRCh37 (hg19) VCF-style: chr16-2136803-C-T.
Other names: c.4719C>T, p.His1573= (NM_001077183.3); c.4851C>T, p.His1617= (NM_001114382.3); c.4611C>T, p.His1537= (NM_001318827.2); c.4575C>T, p.His1525= (NM_001318829.2); c.4188C>T, p.His1396= (NM_001318831.2); c.4752C>T, p.His1584= (NM_001318832.2); c.4722C>T, p.His1574= (NM_001363528.2); c.4788C>T, p.His1596= (NM_001370404.1); and 1 more.
Identifiers: ClinVar variation 536073 (VCV000536073.14), dbSNP rs1555438576, ClinGen allele CA492959905.

ClinVar aggregate classification (germline): Benign/Likely benign. Review status: criteria provided, multiple submitters, no conflicts (2 of 4 stars). 3 submissions from 3 submitters: Benign (1); Likely benign (2). Last evaluated 2025-09-30.

Conditions:
Tuberous sclerosis 2 (TSC2). Identifiers: Orphanet 805, MedGen C1860707, MONDO:0013199, OMIM 613254.
Hereditary cancer-predisposing syndrome. Also called: Neoplastic Syndromes, Hereditary; Tumor predisposition; Hereditary Cancer Syndrome; Hereditary neoplastic syndrome. Identifiers: Orphanet 140162, MedGen C0027672, MeSH D009386, MONDO:0015356.

Allele frequency attached by ClinVar (database versions not stated): gnomAD exomes below 0.00001.

Submissions (3):

Labcorp Genetics (formerly Invitae), Labcorp
Classification: Likely benign for Tuberous sclerosis 2. Last evaluated: 2025-09-30. Review status: criteria provided, single submitter. Criteria: Invitae Variant Classification Sherloc (09022015). Collection method: clinical testing. Allele origin: germline.

Myriad Genetics, Inc.
Classification: Benign for Tuberous sclerosis 2. Last evaluated: 2025-06-05. Review status: criteria provided, single submitter. Criteria: Myriad Autosomal Dominant, Autosomal Recessive and X-Linked Classification Criteria (2023). Collection method: clinical testing. Allele origin: unknown.
Comment: This variant is considered benign. This variant is a silent/synonymous amino acid change and it is not expected to impact splicing.

Ambry Genetics
Classification: Likely benign for Hereditary cancer-predisposing syndrome. Last evaluated: 2021-07-22. Review status: criteria provided, single submitter. Criteria: Ambry Variant Classification Scheme 2023. Collection method: clinical testing. Allele origin: germline.